The following is an entry in ClinVar:

ClinVar aggregate classification (germline): Uncertain significance. Review status: criteria provided, multiple submitters, no conflicts (2 of 4 stars). 5 submissions from 5 submitters: Uncertain significance (5). Last evaluated 2026-08-06.

Conditions:
Cockayne syndrome type 1. Also called: Cockayne syndrome type I; Cockayne syndrome classical; Cockayne syndrome classic form. Identifiers: Orphanet 191, Orphanet 90321, MedGen C0751039, MONDO:0019569, OMIM 216400.

Allele frequency attached by ClinVar (database versions not stated): ExAC 0.00005; gnomAD exomes 0.00005 and 0.00007; gnomAD 0.00008 and 0.00009; TOPMed 0.00009; ESP Exome Variant Server 0.00015.
gnomAD v4.1: 108 of 1,613,404 alleles (0.0067%); highest among the groups gnomAD compares: Non-Finnish European, 0.0092%; no homozygotes.

Submissions (5):

Myriad Genetics, Inc.
Classification: Uncertain significance for Cockayne syndrome type 1. Last evaluated: 2026-08-06. Review status: criteria provided, single submitter. Criteria: Myriad Autosomal Dominant, Autosomal Recessive and X-Linked Classification Criteria (2023). Collection method: clinical testing. Allele origin: unknown.
Comment: NM_000082.3(ERCC8):c.911G>A(S304N) is a missense variant classified as a variant of uncertain significance in the context of ERCC8-related disorders. S304N has been observed in a case with relevant disease (PMID: 40514726). Relevant functional assessments of this variant are not available in the literature. S304N has been observed in referenced population frequency databases. In summary, there is insufficient evidence to classify NM_000082.3(ERCC8):c.911G>A(S304N) as pathogenic or benign. Please note: this variant was assessed in the context of healthy population screening.

Labcorp Genetics (formerly Invitae), Labcorp
Classification: Uncertain significance. Last evaluated: 2024-11-11. Review status: criteria provided, single submitter. Criteria: Invitae Variant Classification Sherloc (09022015). Collection method: clinical testing. Allele origin: germline.
Comment: This sequence change replaces serine, which is neutral and polar, with asparagine, which is neutral and polar, at codon 304 of the ERCC8 protein (p.Ser304Asn). This variant is present in population databases (rs201642761, gnomAD 0.009%). This variant has not been reported in the literature in individuals affected with ERCC8-related conditions. ClinVar contains an entry for this variant (Variation ID: 904372). Invitae Evidence Modeling of protein sequence and biophysical properties (such as structural, functional, and spatial information, amino acid conservation, physicochemical variation, residue mobility, and thermodynamic stability) indicates that this missense variant is not expected to disrupt ERCC8 protein function with a negative predictive value of 80%. In summary, the available evidence is currently insufficient to determine the role of this variant in disease. Therefore, it has been classified as a Variant of Uncertain Significance.

Blueprint Genetics
Classification: Uncertain significance. Last evaluated: 2024-08-22. Review status: criteria provided, single submitter. Criteria: ACMG Guidelines, 2015. Collection method: clinical testing. Allele origin: germline.

Mayo Clinic Laboratories, Mayo Clinic
Classification: Uncertain significance. Last evaluated: 2023-11-03. Review status: criteria provided, single submitter. Criteria: ACMG Guidelines, 2015. Collection method: clinical testing. Allele origin: germline. Observed: 1 variant allele.
Comment: BP4, PM2_moderate

Illumina Laboratory Services, Illumina
Classification: Uncertain significance for Cockayne syndrome type 1. Last evaluated: 2018-01-12. Review status: criteria provided, single submitter. Criteria: ICSL Variant Classification Criteria 13 December 2019. Collection method: clinical testing. Allele origin: germline.

Literature cited by the submitters: PubMed 40514726 (cited by Myriad Genetics, Inc.).

NM_000082.4(ERCC8):c.911G>A (p.Ser304Asn)

Gene: ERCC8 (ERCC excision repair 8, CSA ubiquitin ligase complex subunit; minus strand). Cytogenetic location: 5q12.1.
Variant type: single nucleotide variant.
Coding change: c.911G>A on transcript NM_000082.4 (MANE Select); coding-DNA position 911, G replaced by A.
Protein change: p.Ser304Asn; replaces serine 304 with asparagine.
Molecular consequence: missense variant.
Genome position (GRCh38, 1-based): chr5:60,891,019, C>T on the plus strand (G>A on the coding strand, the complement: ERCC8 is on the minus strand). VCF-style: chr5-60891019-C-T. GRCh37 (hg19) VCF-style: chr5-60186846-C-T.
Other names: p.Ser304Asn; c.737G>A, p.Ser246Asn (NM_001007233.3); c.452G>A, p.Ser151Asn (NM_001290285.2); short protein forms S151N, S246N, S304N.
Identifiers: ClinVar variation 904372 (VCV000904372.9), dbSNP rs201642761, ClinGen allele CA3277683.